The following is an entry in ClinVar:

NM_003036.4(SKI):c.103C>T (p.Pro35Ser)

Gene: SKI (SKI proto-oncogene; plus strand). Cytogenetic location: 1p36.33.
Variant type: single nucleotide variant.
Coding change: c.103C>T on transcript NM_003036.4 (MANE Select); coding-DNA position 103, C replaced by T.
Protein change: p.Pro35Ser; replaces proline 35 with serine.
Molecular consequence: missense variant.
Genome position (GRCh38, 1-based): chr1:2,228,869, C>T. VCF-style: chr1-2228869-C-T. GRCh37 (hg19) VCF-style: chr1-2160308-C-T.
Other names: short protein forms P35S.
Identifiers: ClinVar variation 39786 (VCV000039786.17), dbSNP rs397514590, ClinGen allele CA261223.

ClinVar aggregate classification (germline): Pathogenic. Review status: criteria provided, multiple submitters, no conflicts (2 of 4 stars). 6 submissions from 6 submitters: Pathogenic (5). 1 of the submissions does not count toward it. Last evaluated 2024-07-12.

Conditions:
Familial thoracic aortic aneurysm and aortic dissection (TAAD). Also called: Thoracic aortic aneurysms and dissections. Identifiers: Orphanet 91387, MedGen C4707243, MONDO:0019625.
Shprintzen-Goldberg syndrome (SGS). Also called: SHPRINTZEN-GOLDBERG CRANIOSYNOSTOSIS SYNDROME; CRANIOSYNOSTOSIS WITH ARACHNODACTYLY AND ABDOMINAL HERNIAS; Marfanoid disorder with craniosynostosis type 1; Marfanoid craniosynostosis syndrome; Shprintzen-Goldberg marfanoid syndrome. Identifiers: Orphanet 2462, MedGen C1321551, MONDO:0008426, OMIM 182212.

Allele frequency attached by ClinVar (database versions not stated): gnomAD exomes below 0.00001.
gnomAD v4.1: 1 of 1,431,216 alleles (0.00007%); highest among the groups gnomAD compares: Non-Finnish European, 0.000092%; no homozygotes.

Submissions (6):

Laboratory of Medical Genetics, National & Kapodistrian University of Athens
Classification: Pathogenic for Shprintzen-Goldberg syndrome. Last evaluated: 2024-07-12. Review status: criteria provided, single submitter. Criteria: ACMG Guidelines, 2015. Collection method: clinical testing. Allele origin: germline. Affected: yes.
Comment: PS4, PM1, PM2, PM5, PP3 - This variant has been reported in ClinVar as Pathogenic by other laboratories (Variation ID: 39786). Not observed in large population cohorts (gnomAD). It has been previously reported as causative for Shprintzen-Goldberg syndrome (PMID: 23103230, 24357594)

Ambry Genetics
Classification: Pathogenic for Familial thoracic aortic aneurysm and aortic dissection. Last evaluated: 2023-05-23. Review status: criteria provided, single submitter. Criteria: Ambry Variant Classification Scheme 2023. Collection method: clinical testing. Allele origin: germline.
Comment: The c.103C>T (p.P35S) alteration is located in exon 1 (coding exon 1) of the SKI gene. This alteration results from a C to T substitution at nucleotide position 103, causing the proline (P) at amino acid position 35 to be replaced by a serine (S). This variant was not reported in population-based cohorts in the Genome Aggregation Database (gnomAD). The c.103C>T alteration has been reported in individuals with features consistent with Shprintzen-Goldberg syndrome (Yoon, 2020) and was reported to be de novo in three individuals (Carmignac, 2012; Au, 2014; Schepers, 2015). This amino acid position is highly conserved in available vertebrate species with limited alignment for this region. This missense alteration is located in a region that has a low rate of benign missense variation (Lek, 2016; Firth, 2009). The in silico prediction for this alteration is inconclusive. Based on the available evidence, this alteration is classified as pathogenic.

Labcorp Genetics (formerly Invitae), Labcorp
Classification: Pathogenic for Shprintzen-Goldberg syndrome. Last evaluated: 2023-02-20. Review status: criteria provided, single submitter. Criteria: Invitae Variant Classification Sherloc (09022015). Collection method: clinical testing. Allele origin: germline.
Comment: This variant disrupts the p.Pro35 amino acid residue in SKI. Other variant(s) that disrupt this residue have been determined to be pathogenic (PMID: 23103230). This suggests that this residue is clinically significant, and that variants that disrupt this residue are likely to be disease-causing. Advanced modeling of protein sequence and biophysical properties (such as structural, functional, and spatial information, amino acid conservation, physicochemical variation, residue mobility, and thermodynamic stability) performed at Invitae indicates that this missense variant is expected to disrupt SKI protein function. ClinVar contains an entry for this variant (Variation ID: 39786). This missense change has been observed in individual(s) with Shprintzen-Goldberg syndrome (PMID: 23023332, 23103230, 24357594, 24736733). In at least one individual the variant was observed to be de novo. This variant is not present in population databases (gnomAD no frequency). This sequence change replaces proline, which is neutral and non-polar, with serine, which is neutral and polar, at codon 35 of the SKI protein (p.Pro35Ser). For these reasons, this variant has been classified as Pathogenic.

Baylor Genetics
Classification: Pathogenic for Shprintzen-Goldberg syndrome. Review status: criteria provided, single submitter. Criteria: ACMG Guidelines, 2015. Collection method: clinical testing. Allele origin: unknown.

Baylor-Hopkins Center for Mendelian Genomics, Johns Hopkins University School of Medicine
Classification: Pathogenic for Shprintzen-Goldberg syndrome. Review status: criteria provided, single submitter. Criteria: Submitter's publication. Collection method: research. Allele origin: de novo. Affected: yes. Observed: 1 heterozygote.

OMIM
Classification: Pathogenic for SHPRINTZEN-GOLDBERG CRANIOSYNOSTOSIS SYNDROME. Last evaluated: 2015-02-01. Review status: no assertion criteria provided. Collection method: literature only. Allele origin: germline. Not counted in ClinVar's aggregate classification.

Literature cited by the submitters: PubMed 23103230 (cited by 3 submitters); PubMed 24357594 (cited by Ambry Genetics and Labcorp Genetics (formerly Invitae), Labcorp); PubMed 24736733 (cited by 3 submitters); PubMed 31754721 (cited by Ambry Genetics); PubMed 23023332 (cited by Labcorp Genetics (formerly Invitae), Labcorp); PubMed 25326635 (cited by Baylor Genetics).